The following is an entry in ClinVar:

ClinVar aggregate classification (germline): Uncertain significance (1 of 4 stars; one submission).

Submission:

Labcorp Genetics (formerly Invitae), Labcorp
Classification: Uncertain significance. Last evaluated: 2022-08-03. Review status: criteria provided, single submitter. Criteria: Invitae Variant Classification Sherloc (09022015). Collection method: clinical testing. Allele origin: germline.
Comment: In summary, the available evidence is currently insufficient to determine the role of this variant in disease. Therefore, it has been classified as a Variant of Uncertain Significance. Algorithms developed to predict the effect of missense changes on protein structure and function (SIFT, PolyPhen-2, Align-GVGD) all suggest that this variant is likely to be tolerated. This variant has not been reported in the literature in individuals affected with ANKH-related conditions. This variant is not present in population databases (gnomAD no frequency). This sequence change replaces threonine, which is neutral and polar, with isoleucine, which is neutral and non-polar, at codon 147 of the ANKH protein (p.Thr147Ile).

NM_054027.6(ANKH):c.440C>T (p.Thr147Ile)

Gene: ANKH (ANKH inorganic pyrophosphate transport regulator; minus strand). Cytogenetic location: 5p15.2.
Variant type: single nucleotide variant.
Coding change: c.440C>T on transcript NM_054027.6 (MANE Select); coding-DNA position 440, C replaced by T.
Protein change: p.Thr147Ile; replaces threonine 147 with isoleucine.
Molecular consequence: missense variant.
Genome position (GRCh38, 1-based): chr5:14,755,937, G>A on the plus strand (C>T on the coding strand, the complement: ANKH is on the minus strand). VCF-style: chr5-14755937-G-A. GRCh37 (hg19) VCF-style: chr5-14756046-G-A.
Other names: short protein forms T147I.
Identifiers: ClinVar variation 2010215 (VCV002010215.4), dbSNP rs2477408316, ClinGen allele CA359249560.